The following is an entry in ClinVar:

NM_003119.4(SPG7):c.2314G>T (p.Asp772Tyr)

Gene: SPG7 (SPG7 matrix AAA peptidase subunit, paraplegin; plus strand). Cytogenetic location: 16q24.3.
Variant type: single nucleotide variant.
Coding change: c.2314G>T on transcript NM_003119.4 (MANE Select); coding-DNA position 2314, G replaced by T.
Protein change: p.Asp772Tyr; replaces aspartic acid 772 with tyrosine.
Molecular consequence: missense variant. On other transcripts: 3 prime UTR variant (1).
Genome position (GRCh38, 1-based): chr16:89,557,019, G>T. VCF-style: chr16-89557019-G-T. GRCh37 (hg19) VCF-style: chr16-89623427-G-T.
Other names: c.*92G>T (NM_001363850.1); short protein forms D772Y.
Identifiers: ClinVar variation 1304252 (VCV001304252.2), dbSNP rs1235854891, ClinGen allele CA397417966.

ClinVar aggregate classification (germline): Uncertain significance (1 of 4 stars; one submission).

Allele frequency attached by ClinVar (database versions not stated): gnomAD exomes below 0.00001; gnomAD 0.00001; TOPMed 0.00002.
gnomAD v4.1: 2 of 1,613,444 alleles (0.00012%); highest among the groups gnomAD compares: Admixed American, 0.0017%; no homozygotes.

Submission:

GeneDx
Classification: Uncertain significance. Last evaluated: 2019-12-30. Review status: criteria provided, single submitter. Criteria: GeneDx Variant Classification Process June 2021. Collection method: clinical testing. Allele origin: germline. Affected: yes.
Comment: Not observed in large population cohorts (Lek et al., 2016); In silico analysis, which includes protein predictors and evolutionary conservation, supports a deleterious effect; Has not been previously published as pathogenic or benign to our knowledge